The following is an entry in ClinVar:

ClinVar aggregate classification (germline): Uncertain significance (1 of 4 stars; one submission).

Submission:

Labcorp Genetics (formerly Invitae), Labcorp
Classification: Uncertain significance. Last evaluated: 2024-07-01. Review status: criteria provided, single submitter. Criteria: Invitae Variant Classification Sherloc (09022015). Collection method: clinical testing. Allele origin: germline.
Comment: This sequence change replaces glycine, which is neutral and non-polar, with arginine, which is basic and polar, at codon 1402 of the KIDINS220 protein (p.Gly1402Arg). Information on the frequency of this variant in the gnomAD database is not available, as this variant may be reported differently in the database. This variant has not been reported in the literature in individuals affected with KIDINS220-related conditions. ClinVar contains an entry for this variant (Variation ID: 2098941). Experimental studies and prediction algorithms are not available or were not evaluated, and the functional significance of this variant is currently unknown. In summary, the available evidence is currently insufficient to determine the role of this variant in disease. Therefore, it has been classified as a Variant of Uncertain Significance.

NM_020738.4(KIDINS220):c.4203_4204delinsTA (p.Gly1402Arg)

Gene: KIDINS220 (kinase D interacting substrate 220; minus strand). Cytogenetic location: 2p25.1.
Variant type: Indel.
Coding change: c.4203_4204delinsTA on transcript NM_020738.4 (MANE Select); coding-DNA positions 4203 to 4204, CG replaced by TA.
Protein change: p.Gly1402Arg; replaces glycine 1402 with arginine.
Molecular consequence: missense variant. On other transcripts: intron variant (6).
Genome position (GRCh38, 1-based): chr2:8,731,832-8,731,833, CG replaced by TA on the plus strand (CG replaced by TA on the coding strand, the reverse complement: KIDINS220 is on the minus strand). VCF-style: chr2-8731832-CG-TA. GRCh37 (hg19) VCF-style: chr2-8871962-CG-TA.
Other names: c.4206_4207delinsTA, p.Gly1403Arg (NM_001348729.2); c.4149_4150delinsTA, p.Gly1384Arg (NM_001348731.2); c.4146_4147delinsTA, p.Gly1383Arg (NM_001348732.2); c.4035_4036delinsTA, p.Gly1346Arg (NM_001348734.2); c.4032_4033delinsTA, p.Gly1345Arg (NM_001348735.2); c.3906_3907delinsTA, p.Gly1303Arg (NM_001348736.2); c.3882+1611_3882+1612delinsTA (NM_001348741.2, NM_001348742.2, NM_001348743.2); c.3996+1611_3996+1612delinsTA (NM_001348738.2); and 1 more; short protein forms G1303R, G1384R, G1402R, G1403R, G1383R, G1345R, G1346R.
Identifiers: ClinVar variation 2098941 (VCV002098941.4), dbSNP rs2527407445, ClinGen allele CA2580068130.
Genomic context (GRCh38, chr2:8,731,832, plus strand): 5'-AACTCTGACCCATGTAATATGTGCTATGTGGAGAAGATCTGCCACTAATGGTTGTAGACC[CG>TA]GGGCCCCCTTCTAACTGGGACATCTGAGCAATGTATTCTCTATAGGCATCTCTATACTCG-3'
Protein context (NP_065789.1, residues 1392-1412): AQMSQLEGGP[Gly1402Arg]STTISGRSSP